The following is an entry in ClinVar:

ClinVar aggregate classification (germline): Uncertain significance (1 of 4 stars; one submission).

Conditions:
Hereditary cancer-predisposing syndrome. Also called: Neoplastic Syndromes, Hereditary; Tumor predisposition; Hereditary Cancer Syndrome; Hereditary neoplastic syndrome. Identifiers: Orphanet 140162, MedGen C0027672, MeSH D009386, MONDO:0015356.

Submission:

Ambry Genetics
Classification: Uncertain significance for Hereditary cancer-predisposing syndrome. Last evaluated: 2022-03-20. Review status: criteria provided, single submitter. Criteria: Ambry Variant Classification Scheme 2023. Collection method: clinical testing. Allele origin: germline.
Comment: The p.A424G variant (also known as c.1271C>G), located in coding exon 4 of the PALB2 gene, results from a C to G substitution at nucleotide position 1271. The alanine at codon 424 is replaced by glycine, an amino acid with similar properties. This amino acid position is conserved. In addition, this alteration is predicted to be tolerated by in silico analysis. Since supporting evidence is limited at this time, the clinical significance of this alteration remains unclear.

NM_024675.4(PALB2):c.1271C>G (p.Ala424Gly)

Gene: PALB2 (partner and localizer of BRCA2; minus strand). Cytogenetic location: 16p12.2.
Variant type: single nucleotide variant.
Coding change: c.1271C>G on transcript NM_024675.4 (MANE Select); coding-DNA position 1271, C replaced by G.
Protein change: p.Ala424Gly; replaces alanine 424 with glycine.
Molecular consequence: missense variant.
Genome position (GRCh38, 1-based): chr16:23,635,275, G>C on the plus strand (C>G on the coding strand, the complement: PALB2 is on the minus strand). VCF-style: chr16-23635275-G-C. GRCh37 (hg19) VCF-style: chr16-23646596-G-C.
Other names: c.1211C>G, p.Ala404Gly (NM_001407296.1); c.1271C>G, p.Ala424Gly (NM_001407297.1, NM_001407298.1, NM_001407299.1 and 3 more transcripts); c.386C>G, p.Ala129Gly (NM_001407304.1, NM_001407305.1, NM_001407306.1 and 5 more transcripts); short protein forms A129G, A424G, A404G.
Identifiers: ClinVar variation 1765546 (VCV001765546.2), dbSNP rs2142420870, ClinGen allele CA395132664.